The following is an entry in ClinVar:

NM_153252.5(BRWD3):c.488C>T (p.Pro163Leu)

Gene: BRWD3 (bromodomain and WD repeat domain containing 3; minus strand). Cytogenetic location: Xq21.1.
Variant type: single nucleotide variant.
Coding change: c.488C>T on transcript NM_153252.5 (MANE Select); coding-DNA position 488, C replaced by T.
Protein change: p.Pro163Leu; replaces proline 163 with leucine.
Molecular consequence: missense variant.
Genome position (GRCh38, 1-based): chrX:80,745,672, G>A on the plus strand (C>T on the coding strand, the complement: BRWD3 is on the minus strand). VCF-style: chrX-80745672-G-A. GRCh37 (hg19) VCF-style: chrX-80001171-G-A.
Other names: short protein forms P163L.
Identifiers: ClinVar variation 452791 (VCV000452791.2), dbSNP rs766984838, ClinGen allele CA413607589.
Genomic context (GRCh38, chrX:80,745,672, plus strand): 5'-ACAGATGACAAGTGCCCCAGAATTCTCTTATGCATCTTAATGTGCTGGTAAGCAGATGAA[G>A]GGAAAATATGACCAAAGCGACTACAGCCGGTTAATTGCCTGGCAGAGGTGATATTCACTG-3'
Protein context (NP_694984.5, residues 153-173): TGCSRFGHIF[Pro163Leu]SSAYQHIKMH

ClinVar aggregate classification (germline): Uncertain significance (1 of 4 stars; one submission).

Allele frequency attached by ClinVar (database versions not stated): TOPMed 0.00001 and below 0.00001; gnomAD 0.00001.
gnomAD v4.1: 1 of 1,207,397 alleles (0.000083%); highest among the groups gnomAD compares: Non-Finnish European, 0.00011%; no homozygotes.

Submission:

GeneDx
Classification: Uncertain significance. Last evaluated: 2017-10-17. Review status: criteria provided, single submitter. Criteria: GeneDx Variant Classification (06012015). Collection method: clinical testing. Allele origin: germline. Affected: yes.
Comment: The P163L variant in the BRWD3 gene has not been reported previously as a pathogenic variant, nor as a benign variant, to our knowledge. This variant is not observed in large population cohorts (Lek et al., 2016). The P163L variant is a semi-conservative amino acid substitution, which may impact secondary protein structure as these residues differ in some properties. This substitution occurs at a position that is conserved across species. In silico analysis predicts this variant is probably damaging to the protein structure/function. We interpret P163L as a variant of uncertain significance.